The following is an entry in ClinVar:

ClinVar aggregate classification (germline): Uncertain significance (1 of 4 stars; one submission).

Conditions:
Perlman syndrome (PRLMNS). Identifiers: Orphanet 2849, MedGen C0796113, MONDO:0009965, OMIM 267000.

Submission:

Labcorp Genetics (formerly Invitae), Labcorp
Classification: Uncertain significance for Perlman syndrome. Last evaluated: 2023-02-04. Review status: criteria provided, single submitter. Criteria: Invitae Variant Classification Sherloc (09022015). Collection method: clinical testing. Allele origin: germline.
Comment: In summary, the available evidence is currently insufficient to determine the role of this variant in disease. Therefore, it has been classified as a Variant of Uncertain Significance. This sequence change replaces isoleucine, which is neutral and non-polar, with threonine, which is neutral and polar, at codon 336 of the DIS3L2 protein (p.Ile336Thr). This variant is not present in population databases (gnomAD no frequency). This variant has not been reported in the literature in individuals affected with DIS3L2-related conditions. Advanced modeling of protein sequence and biophysical properties (such as structural, functional, and spatial information, amino acid conservation, physicochemical variation, residue mobility, and thermodynamic stability) performed at Invitae indicates that this missense variant is not expected to disrupt DIS3L2 protein function.

NM_152383.5(DIS3L2):c.1007T>C (p.Ile336Thr)

Gene: DIS3L2 (DIS3 like 3'-5' exoribonuclease 2; plus strand). Cytogenetic location: 2q37.1.
Variant type: single nucleotide variant.
Coding change: c.1007T>C on transcript NM_152383.5 (MANE Select); coding-DNA position 1007, T replaced by C.
Protein change: p.Ile336Thr; replaces isoleucine 336 with threonine.
Molecular consequence: missense variant. On other transcripts: non-coding transcript variant (2).
Genome position (GRCh38, 1-based): chr2:232,163,515, T>C. VCF-style: chr2-232163515-T-C. GRCh37 (hg19) VCF-style: chr2-233028225-T-C.
Other names: c.1007T>C, p.Ile336Thr (NM_001257281.2); short protein forms I336T.
Identifiers: ClinVar variation 2141709 (VCV002141709.4), dbSNP rs2469895541, ClinGen allele CA351154278.
Genomic context (GRCh38, chr2:232,163,515, plus strand): 5'-ATAGGCAGCTGGCTAAGAGTCTTGGGCAGGCTGGTGAAATTGAGCCTGAAACAGAAGGAA[T>C]ACTAACAGAGTATGGCGTGGATTTCTCTGATTTCTCTTCAGAAGTTCTAGAATGTCTTCC-3'
Protein context (NP_689596.4, residues 326-346): AGEIEPETEG[Ile336Thr]LTEYGVDFSD